The following is an entry in ClinVar:

ClinVar aggregate classification (germline): Uncertain significance (1 of 4 stars; one submission).

Conditions:
Mendelian susceptibility to mycobacterial diseases due to complete ISG15 deficiency. Also called: Immunodeficiency 38; IMMUNODEFICIENCY 38, MYCOBACTERIOSIS, AUTOSOMAL RECESSIVE; ISG15 DEFICIENCY, AUTOSOMAL RECESSIVE; Immunodeficiency 38 with basal ganglia calcification. Identifiers: Orphanet 319563, MedGen C4015293, MONDO:0014502, OMIM 616126.

Allele frequency attached by ClinVar (database versions not stated): ExAC 0.00003; gnomAD 0.00005; TOPMed 0.00006; ESP Exome Variant Server 0.00008.
gnomAD v4.1: 107 of 1,613,516 alleles (0.0066%); highest among the groups gnomAD compares: Non-Finnish European, 0.0081%; no homozygotes.

Submission:

Labcorp Genetics (formerly Invitae), Labcorp
Classification: Uncertain significance for Mendelian susceptibility to mycobacterial diseases due to complete ISG15 deficiency. Last evaluated: 2024-01-15. Review status: criteria provided, single submitter. Criteria: Invitae Variant Classification Sherloc (09022015). Collection method: clinical testing. Allele origin: germline.
Comment: This sequence change replaces valine, which is neutral and non-polar, with methionine, which is neutral and non-polar, at codon 104 of the ISG15 protein (p.Val104Met). This variant is present in population databases (rs147776968, gnomAD 0.007%). This missense change has been observed in individual(s) with necrotizing skin lesions (PMID: 32402279). ClinVar contains an entry for this variant (Variation ID: 1023883). An algorithm developed to predict the effect of missense changes on protein structure and function (PolyPhen-2) suggests that this variant is likely to be disruptive. Experimental studies have shown that this missense change affects ISG15 function (PMID: 32402279). In summary, the available evidence is currently insufficient to determine the role of this variant in disease. Therefore, it has been classified as a Variant of Uncertain Significance.

Literature cited by the submitters: PubMed 32402279.

NM_005101.4(ISG15):c.310G>A (p.Val104Met)

Gene: ISG15 (ISG15 ubiquitin like modifier; plus strand). Cytogenetic location: 1p36.33.
Variant type: single nucleotide variant.
Coding change: c.310G>A on transcript NM_005101.4 (MANE Select); coding-DNA position 310, G replaced by A.
Protein change: p.Val104Met; replaces valine 104 with methionine.
Molecular consequence: missense variant.
Genome position (GRCh38, 1-based): chr1:1,014,290, G>A. VCF-style: chr1-1014290-G-A. GRCh37 (hg19) VCF-style: chr1-949670-G-A.
Other names: short protein forms V104M.
Identifiers: ClinVar variation 1023883 (VCV001023883.6), dbSNP rs147776968, ClinGen allele CA507678.